The following is an entry in ClinVar:

ClinVar aggregate classification (germline): Uncertain significance. Review status: criteria provided, multiple submitters, no conflicts (2 of 4 stars). 2 submissions from 2 submitters: Uncertain significance (2). Last evaluated 2025-12-16.

Conditions:
Hereditary cancer-predisposing syndrome. Also called: Neoplastic Syndromes, Hereditary; Hereditary Cancer Syndrome; Hereditary neoplastic syndrome; Tumor predisposition. Identifiers: Orphanet 140162, MedGen C0027672, MeSH D009386, MONDO:0015356.
DICER1-related tumor predisposition. Also called: DICER1 syndrome; DICER1-related pleuropulmonary blastoma cancer predisposition syndrome. Identifiers: Orphanet 284343, MedGen C3839822, MONDO:0100216.

Submissions (2):

Ambry Genetics
Classification: Uncertain significance for Hereditary cancer-predisposing syndrome. Last evaluated: 2025-12-16. Review status: criteria provided, single submitter. Criteria: Ambry Variant Classification Scheme 2023. Collection method: clinical testing. Allele origin: germline.
Comment: The p.S1515G variant (also known as c.4543A>G), located in coding exon 22 of the DICER1 gene, results from an A to G substitution at nucleotide position 4543. The serine at codon 1515 is replaced by glycine, an amino acid with similar properties. This amino acid position is conserved. In addition, this alteration is predicted to be deleterious by in silico analysis. Based on the available evidence, the clinical significance of this variant remains unclear.

Labcorp Genetics (formerly Invitae), Labcorp
Classification: Uncertain significance for DICER1-related tumor predisposition. Last evaluated: 2024-12-04. Review status: criteria provided, single submitter. Criteria: Invitae Variant Classification Sherloc (09022015). Collection method: clinical testing. Allele origin: germline.
Comment: This sequence change replaces serine, which is neutral and polar, with glycine, which is neutral and non-polar, at codon 1515 of the DICER1 protein (p.Ser1515Gly). This variant is not present in population databases (gnomAD no frequency). This variant has not been reported in the literature in individuals affected with DICER1-related conditions. Invitae Evidence Modeling of protein sequence and biophysical properties (such as structural, functional, and spatial information, amino acid conservation, physicochemical variation, residue mobility, and thermodynamic stability) indicates that this missense variant is not expected to disrupt DICER1 protein function with a negative predictive value of 95%. In summary, the available evidence is currently insufficient to determine the role of this variant in disease. Therefore, it has been classified as a Variant of Uncertain Significance.

NM_177438.3(DICER1):c.4543A>G (p.Ser1515Gly)

Gene: DICER1 (dicer 1, ribonuclease III; minus strand). Cytogenetic location: 14q32.13.
Variant type: single nucleotide variant.
Coding change: c.4543A>G on transcript NM_177438.3 (MANE Select); coding-DNA position 4543, A replaced by G.
Protein change: p.Ser1515Gly; replaces serine 1515 with glycine.
Molecular consequence: missense variant. On other transcripts: non-coding transcript variant (6).
Genome position (GRCh38, 1-based): chr14:95,096,377, T>C on the plus strand (A>G on the coding strand, the complement: DICER1 is on the minus strand). VCF-style: chr14-95096377-T-C. GRCh37 (hg19) VCF-style: chr14-95562714-T-C.
Other names: c.4543A>G, p.Ser1515Gly (NM_001195573.1, NM_001271282.3, NM_001291628.2 and 12 more transcripts); c.4261A>G, p.Ser1421Gly (NM_001395686.1); c.4138A>G, p.Ser1380Gly (NM_001395687.1, NM_001395688.1, NM_001395689.1 and 2 more transcripts); c.3976A>G, p.Ser1326Gly (NM_001395691.1); c.2860A>G, p.Ser954Gly (NM_001395697.1); short protein forms S1326G, S1380G, S1421G, S1515G, S954G.
Identifiers: ClinVar variation 3623723 (VCV003623723.3).
Genomic context (GRCh38, chr14:95,096,377, plus strand): 5'-AGTTTTCTTCTGATGGATTCCAGAACCCCACCACAAAGTCATCTTCTTCAACAGCTTTGC[T>C]AGGATCCAGATAGCACATTGCATCCCAAGAGCTGTAGTCAAAATCCTCAAAATCTGATGA-3'
Protein context (NP_803187.1, residues 1505-1525): SWDAMCYLDP[Ser1515Gly]KAVEEDDFVV